The following is an entry in ClinVar:

ClinVar aggregate classification (germline): Conflicting classifications of pathogenicity. Review status: criteria provided, conflicting classifications (1 of 4 stars). 6 submissions from 6 submitters: Uncertain significance (1); Likely benign (5). Last evaluated 2026-04-01.

Conditions:
Epidermolysis bullosa simplex with nail dystrophy (EBS5D). Identifiers: MedGen C4225309, MONDO:0014661, OMIM 616487.
Autosomal recessive limb-girdle muscular dystrophy type 2Q (LGMDR17). Also called: MUSCULAR DYSTROPHY, LIMB-GIRDLE, AUTOSOMAL RECESSIVE 17. Identifiers: Orphanet 254361, MedGen C3150989, MONDO:0013390, OMIM 613723.
Epidermolysis bullosa simplex, Ogna type (EBS5A). Also called: Pidermolysis bullosa simplex 5A, Ogna type; EPIDERMOLYSIS BULLOSA SIMPLEX 5A, OGNA TYPE. Identifiers: Orphanet 79401, MedGen C0432317, MONDO:0007555, OMIM 131950.
Epidermolysis bullosa simplex 5B, with muscular dystrophy (EBS5B). Also called: Epidermolysis bullosa simplex with muscular dystrophy; EPIDERMOLYSIS BULLOSA SIMPLEX AND LIMB-GIRDLE MUSCULAR DYSTROPHY. Identifiers: Orphanet 257, MedGen C2931072, MONDO:0009181, OMIM 226670.
Epidermolysis bullosa simplex 5C, with pyloric atresia (EBS5C). Also called: PLEC-Related Epidermolysis Bullosa with Pyloric Atresia; Epidermolysis bullosa simplex with pyloric atresia; PLEC1-Related Epidermolysis Bullosa with Pyloric Atresia. Identifiers: Orphanet 158684, MedGen C2677349, MONDO:0012807, OMIM 612138.
PLEC-related disorder. Also called: PLEC-related disorders; PLEC-related condition.

Allele frequency attached by ClinVar (database versions not stated): ExAC 0.00006; gnomAD exomes 0.00009 and 0.00018; gnomAD 0.00011; TOPMed 0.00013; ESP Exome Variant Server 0.00024.

Submissions (6):

CeGaT Center for Human Genetics Tuebingen
Classification: Likely benign. Last evaluated: 2026-04-01. Review status: criteria provided, single submitter. Criteria: CeGaT Center For Human Genetics Tuebingen Variant Classification Criteria Version 2. Collection method: clinical testing. Allele origin: germline. Affected: yes. Observed: 3 variant alleles.
Comment: PLEC: BP4, BP7

Labcorp Genetics (formerly Invitae), Labcorp
Classification: Likely benign for Autosomal recessive limb-girdle muscular dystrophy type 2Q; Epidermolysis bullosa simplex, Ogna type; Epidermolysis bullosa simplex with nail dystrophy; Epidermolysis bullosa simplex 5C, with pyloric atresia; Epidermolysis bullosa simplex 5B, with muscular dystrophy. Last evaluated: 2025-09-23. Review status: criteria provided, single submitter. Criteria: Invitae Variant Classification Sherloc (09022015). Collection method: clinical testing. Allele origin: germline.

PreventionGenetics, part of Exact Sciences
Classification: Likely benign for PLEC-related condition. Last evaluated: 2025-04-23. Review status: criteria provided, single submitter. Criteria: ACMG Guidelines, 2015. Collection method: clinical testing. Allele origin: germline.
Comment: This variant is classified as likely benign based on ACMG/AMP sequence variant interpretation guidelines (Richards et al. 2015 PMID: 25741868, with internal and published modifications).

Blueprint Genetics
Classification: Likely benign. Last evaluated: 2024-05-08. Review status: criteria provided, single submitter. Criteria: ACMG Guidelines, 2015. Collection method: clinical testing. Allele origin: germline.

GeneDx
Classification: Likely benign. Last evaluated: 2019-01-25. Review status: criteria provided, single submitter. Criteria: GeneDx Variant Classification Process June 2021. Collection method: clinical testing. Allele origin: germline. Affected: yes.

Eurofins Ntd Llc (ga)
Classification: Uncertain significance. Last evaluated: 2016-12-19. Review status: criteria provided, single submitter. Criteria: EGL Classification Definitions 2015. Collection method: clinical testing. Allele origin: germline. Observed: 4 variant alleles, 4 heterozygotes.

NM_201384.3(PLEC):c.7926G>A (p.Pro2642=)

Gene: PLEC (plectin; minus strand). Cytogenetic location: 8q24.3.
Variant type: single nucleotide variant.
Coding change: c.7926G>A on transcript NM_201384.3 (MANE Select); coding-DNA position 7926, G replaced by A.
Protein change: p.Pro2642=; no amino-acid change (proline 2642 retained).
Molecular consequence: synonymous variant.
Genome position (GRCh38, 1-based): chr8:143,921,895, C>T on the plus strand (G>A on the coding strand, the complement: PLEC is on the minus strand). VCF-style: chr8-143921895-C-T. GRCh37 (hg19) VCF-style: chr8-144996063-C-T.
Other names: c.8007G>A, p.Pro2669= (NM_000445.5); c.7884G>A, p.Pro2628= (NM_201378.4); c.7860G>A, p.Pro2620= (NM_201379.3); c.8337G>A, p.Pro2779= (NM_201380.4); c.7830G>A, p.Pro2610= (NM_201381.3); c.7926G>A, p.Pro2642= (NM_201382.4); c.7938G>A, p.Pro2646= (NM_201383.3).
Identifiers: ClinVar variation 385696 (VCV000385696.39), dbSNP rs201098035, ClinGen allele CA4925477.
Genomic context (GRCh38, chr8:143,921,895, plus strand): 5'-GCCGGCCTCCTGCAGCCTCTGAGCTGACACCTTCCGCCGCAGGCCATCGAAGCTGTGCTC[C>T]GGCTCTGCCTCTGCCGCGGGGCCATCAAGTGCATCCCGGCCATTGGGCAGGGTCTTTGTG-3'
Protein context (NP_958786.1, residues 2632-2652): ALDGPAAEAE[Pro2642=]EHSFDGLRRK